The following is an entry in ClinVar:

NM_002830.4(PTPN4):c.202G>A (p.Asp68Asn)

Gene: PTPN4 (protein tyrosine phosphatase non-receptor type 4; plus strand). Cytogenetic location: 2q14.2.
Variant type: single nucleotide variant.
Coding change: c.202G>A on transcript NM_002830.4 (MANE Select); coding-DNA position 202, G replaced by A.
Protein change: p.Asp68Asn; replaces aspartic acid 68 with asparagine.
Molecular consequence: missense variant.
Genome position (GRCh38, 1-based): chr2:119,862,599, G>A. VCF-style: chr2-119862599-G-A. GRCh37 (hg19) VCF-style: chr2-120620175-G-A.
Other names: short protein forms D68N.
Identifiers: ClinVar variation 3346479 (VCV003346479.1).

ClinVar aggregate classification (germline): Uncertain significance (0 of 4 stars; one submission).

Conditions:
PTPN4-related disorder. Also called: PTPN4-Related Disorders; PTPN4-related condition.

Submission:

PreventionGenetics, part of Exact Sciences
Classification: Uncertain significance for PTPN4-related condition. Last evaluated: 2024-09-05. Review status: no assertion criteria provided. Collection method: clinical testing. Allele origin: germline.
Comment: The PTPN4 c.202G>A variant is predicted to result in the amino acid substitution p.Asp68Asn. To our knowledge, this variant has not been reported in the literature or in a large population database, indicating this variant is rare. At this time, the clinical significance of this variant is uncertain due to the absence of conclusive functional and genetic evidence.